The following is an entry in ClinVar:

NM_004990.4(MARS1):c.985C>G (p.Pro329Ala)

Gene: MARS1 (methionyl-tRNA synthetase 1; plus strand). Cytogenetic location: 12q13.3.
Variant type: single nucleotide variant.
Coding change: c.985C>G on transcript NM_004990.4 (MANE Select); coding-DNA position 985, C replaced by G.
Protein change: p.Pro329Ala; replaces proline 329 with alanine.
Molecular consequence: missense variant.
Genome position (GRCh38, 1-based): chr12:57,498,517, C>G. VCF-style: chr12-57498517-C-G. GRCh37 (hg19) VCF-style: chr12-57892300-C-G.
Other names: short protein forms P329A.
Identifiers: ClinVar variation 2502776 (VCV002502776.1), dbSNP rs1876753716, ClinGen allele CA385455762.

ClinVar aggregate classification (germline): Uncertain significance (1 of 4 stars; one submission).

gnomAD v4.1: 1 of 1,614,170 alleles (0.000062%); highest among the groups gnomAD compares: Non-Finnish European, 0.000085%; no homozygotes.

Submission:

GeneDx
Classification: Uncertain significance. Last evaluated: 2022-11-19. Review status: criteria provided, single submitter. Criteria: GeneDx Variant Classification Process June 2021. Collection method: clinical testing. Allele origin: germline. Affected: yes.
Comment: Not observed at significant frequency in large population cohorts (gnomAD); In silico analysis supports that this missense variant has a deleterious effect on protein structure/function; Has not been previously published as pathogenic or benign to our knowledge; This variant is associated with the following publications: (PMID: 31356216)